The following is an entry in ClinVar:

ClinVar aggregate classification (germline): Uncertain significance (1 of 4 stars; one submission).

Conditions:
Myofibrillar myopathy 5. Also called: Filaminopathy (type); FILAMINOPATHY, AUTOSOMAL DOMINANT. Identifiers: Orphanet 171445, MedGen C1836050, MONDO:0012289, OMIM 609524.
Distal myopathy with posterior leg and anterior hand involvement. Also called: WILLIAMS DISTAL MYOPATHY. Identifiers: Orphanet 63273, MedGen C3279722, MONDO:0013550, OMIM 614065.
Hypertrophic cardiomyopathy 26. Also called: Cardiomyopathy, familial hypertrophic, 26. Identifiers: Orphanet 75249, MedGen C4310749, MONDO:0014883, OMIM 617047.

gnomAD v4.1: 1 of 1,614,144 alleles (0.000062%); highest among the groups gnomAD compares: East Asian, 0.0022%; no homozygotes.

Submission:

Labcorp Genetics (formerly Invitae), Labcorp
Classification: Uncertain significance for Distal myopathy with posterior leg and anterior hand involvement; Myofibrillar myopathy 5; Hypertrophic cardiomyopathy 26. Last evaluated: 2024-11-18. Review status: criteria provided, single submitter. Criteria: Invitae Variant Classification Sherloc (09022015). Collection method: clinical testing. Allele origin: germline.
Comment: This sequence change replaces isoleucine, which is neutral and non-polar, with threonine, which is neutral and polar, at codon 2542 of the FLNC protein (p.Ile2542Thr). This variant is not present in population databases (gnomAD no frequency). This variant has not been reported in the literature in individuals affected with FLNC-related conditions. Invitae Evidence Modeling of protein sequence and biophysical properties (such as structural, functional, and spatial information, amino acid conservation, physicochemical variation, residue mobility, and thermodynamic stability) indicates that this missense variant is not expected to disrupt FLNC protein function with a negative predictive value of 80%. In summary, the available evidence is currently insufficient to determine the role of this variant in disease. Therefore, it has been classified as a Variant of Uncertain Significance.

NM_001458.5(FLNC):c.7625T>C (p.Ile2542Thr)

Genes: FLNC (filamin C; plus strand), FLNC-AS1 (FLNC antisense RNA 1; minus strand). Cytogenetic location: 7q32.1.
Variant type: single nucleotide variant.
Coding change: c.7625T>C on transcript NM_001458.5 (MANE Select); coding-DNA position 7625, T replaced by C.
Protein change: p.Ile2542Thr; replaces isoleucine 2542 with threonine.
Molecular consequence: missense variant.
Genome position (GRCh38, 1-based): chr7:128,857,181, T>C. VCF-style: chr7-128857181-T-C. GRCh37 (hg19) VCF-style: chr7-128497235-T-C.
Other names: c.7526T>C, p.Ile2509Thr (NM_001127487.2); short protein forms I2509T, I2542T.
Identifiers: ClinVar variation 3752880 (VCV003752880.2).